The following is an entry in ClinVar:

ClinVar aggregate classification (germline): Conflicting classifications of pathogenicity. Review status: criteria provided, conflicting classifications (1 of 4 stars). 2 submissions from 2 submitters: Uncertain significance (1); Likely benign (1). Last evaluated 2024-12-01.

Conditions:
Charcot-Marie-Tooth disease, type I (CMT1). Also called: Charcot-Marie-Tooth, Type 1; Charcot-Marie-Tooth disease type 1. Identifiers: Orphanet 65753, MedGen C0751036, MONDO:0019011.

Submissions (2):

CeGaT Center for Human Genetics Tuebingen
Classification: Uncertain significance. Last evaluated: 2024-12-01. Review status: criteria provided, single submitter. Criteria: CeGaT Center For Human Genetics Tuebingen Variant Classification Criteria Version 2. Collection method: clinical testing. Allele origin: germline. Affected: yes. Observed: 1 variant allele.
Comment: MPZ: PM2:Supporting, BP4

Labcorp Genetics (formerly Invitae), Labcorp
Classification: Likely benign for Charcot-Marie-Tooth disease, type I. Last evaluated: 2018-08-01. Review status: criteria provided, single submitter. Criteria: Invitae Variant Classification Sherloc (09022015). Collection method: clinical testing. Allele origin: germline.

NM_000530.8(MPZ):c.655C>T (p.Leu219=)

Gene: MPZ (myelin protein zero; minus strand). Cytogenetic location: 1q23.3.
Variant type: single nucleotide variant.
Coding change: c.655C>T on transcript NM_000530.8 (MANE Select); coding-DNA position 655, C replaced by T.
Protein change: p.Leu219=; no amino-acid change (leucine 219 retained).
Molecular consequence: synonymous variant.
Genome position (GRCh38, 1-based): chr1:161,305,968, G>A on the plus strand (C>T on the coding strand, the complement: MPZ is on the minus strand). VCF-style: chr1-161305968-G-A. GRCh37 (hg19) VCF-style: chr1-161275758-G-A.
Other names: c.655C>T, p.Leu219= (NM_001315491.2).
Identifiers: ClinVar variation 739540 (VCV000739540.22), dbSNP rs1571817225, ClinGen allele CA421404108.